The following is an entry in ClinVar:

NM_000059.4(BRCA2):c.6325G>A (p.Val2109Ile)

Gene: BRCA2 (BRCA2 DNA repair associated; plus strand). Cytogenetic location: 13q13.1.
Variant type: single nucleotide variant.
Coding change: c.6325G>A on transcript NM_000059.4 (MANE Select); coding-DNA position 6325, G replaced by A.
Protein change: p.Val2109Ile; replaces valine 2109 with isoleucine.
Molecular consequence: missense variant.
Genome position (GRCh38, 1-based): chr13:32,340,680, G>A. VCF-style: chr13-32340680-G-A. GRCh37 (hg19) VCF-style: chr13-32914817-G-A.
Other names: p.V2109I:GTT>ATT; 6553G>A; short protein forms V2109I.
Identifiers: ClinVar variation 41560 (VCV000041560.40), dbSNP rs79456940, ClinGen allele CA023912.
Genomic context (GRCh38, chr13:32,340,680, plus strand): 5'-GAGCATAGTCTTCACTATTCACCTACGTCTAGACAAAATGTATCAAAAATACTTCCTCGT[G>A]TTGATAAGAGAAACCCAGAGCACTGTGTAAACTCAGAAATGGAAAAAACCTGCAGTAAAG-3'
Protein context (NP_000050.3, residues 2099-2119): RQNVSKILPR[Val2109Ile]DKRNPEHCVN

ClinVar aggregate classification (germline): Conflicting classifications of pathogenicity. Review status: criteria provided, conflicting classifications (1 of 4 stars). 22 submissions from 21 submitters: Uncertain significance (2); Benign (2); Likely benign (11). 7 of the submissions do not count toward it. Last evaluated 2026-01-28.

Conditions:
Malignant tumor of pancreas. Also called: Pancreatic cancer; Cancer of the pancreas; Malignant pancreatic neoplasm. Identifiers: MedGen C0346647, MONDO:0009831.
BRCA2-related disorder. Also called: BRCA2-related condition; BRCA2-related disorders. Identifiers: MedGen CN239275.
Hereditary cancer-predisposing syndrome. Also called: Tumor predisposition; Hereditary neoplastic syndrome; Neoplastic Syndromes, Hereditary; Hereditary Cancer Syndrome. Identifiers: Orphanet 140162, MedGen C0027672, MeSH D009386, MONDO:0015356.
Breast neoplasm. Also called: Neoplasm of the breast; Neoplasm of breast; Breast tumor; Breast Neoplasms. Identifiers: MedGen C1458155, MeSH D001943, MONDO:0021100, HP:0100013. Disease mechanism: gain of function.
Hereditary breast ovarian cancer syndrome. Also called: Hereditary breast and/or ovarian cancer syndrome; Hereditary breast and ovarian cancer syndrome; BRCA1- and BRCA2-Associated Hereditary Breast and Ovarian Cancer; Hereditary breast and ovarian cancer; Hereditary breast and ovarian cancer syndrome (HBOC); Breast and ovarian cancer. Identifiers: Orphanet 145, MedGen C0677776, MeSH D061325, MONDO:0003582. Disease mechanism: loss of function.
Fanconi anemia complementation group D1. Also called: BRCA2-Related Fanconi Anemia. Identifiers: Orphanet 319462, MedGen C1838457, MONDO:0011584, OMIM 605724.
Breast-ovarian cancer, familial, susceptibility to, 2 (BROVCA2). Also called: BRCA2 Hereditary Breast and Ovarian Cancer. Identifiers: Orphanet 145, MedGen C2675520, MONDO:0012933, OMIM 612555. Disease mechanism: loss of function.
Familial cancer of breast. Also called: BREAST CANCER, FAMILIAL; Hereditary breast cancer; hereditary breast carcinoma. Identifiers: Orphanet 227535, MedGen C0346153, MONDO:0016419, OMIM 114480. Disease mechanism: loss of function.
Malignant tumor of breast. Also called: Malignant breast neoplasm; Cancer breast. Identifiers: MedGen C0006142, MONDO:0007254. Disease mechanism: loss of function.

Allele frequency attached by ClinVar (database versions not stated): gnomAD 0.00006 and 0.00013; TOPMed 0.00011; gnomAD exomes 0.00014 and 0.00023; ExAC 0.00028; 1000 Genomes Project 30x 0.00031; 1000 Genomes Project 0.00040.
gnomAD v4.1: 226 of 1,608,786 alleles (0.014%); highest among the groups gnomAD compares: East Asian, 0.49%; no homozygotes.

Submissions 1 to 19 of 22:

Labcorp Genetics (formerly Invitae), Labcorp
Classification: Benign for Hereditary breast ovarian cancer syndrome. Last evaluated: 2026-01-28. Review status: criteria provided, single submitter. Criteria: Invitae Variant Classification Sherloc (09022015). Collection method: clinical testing. Allele origin: germline.

Center for Genomic Medicine, Rigshospitalet, Copenhagen University Hospital
Classification: Benign. Last evaluated: 2025-03-04. Review status: criteria provided, single submitter. Criteria: ACMG Guidelines, 2015. Collection method: clinical testing. Allele origin: germline.

University of Washington Department of Laboratory Medicine, University of Washington
Classification: Likely benign for Hereditary cancer-predisposing syndrome. Last evaluated: 2023-03-23. Review status: criteria provided, single submitter. Criteria: Dines et al. (Genet Med. 2020). Collection method: curation. Allele origin: germline.
Comment: Missense variant in a coldspot region where missense variants are very unlikely to be pathogenic (PMID:31911673).

BRCA2 exon 11 coldspot. Reclassification based on statistical prior probability.

Blueprint Genetics
Classification: Likely benign. Last evaluated: 2022-03-24. Review status: criteria provided, single submitter. Criteria: ACMG Guidelines, 2015. Collection method: clinical testing. Allele origin: germline.

Sema4
Classification: Likely benign for Hereditary cancer-predisposing syndrome. Last evaluated: 2021-05-01. Review status: criteria provided, single submitter. Criteria: Sema4 Curation Guidelines. Collection method: curation. Allele origin: germline.

GeneDx
Classification: Likely benign. Last evaluated: 2020-03-02. Review status: criteria provided, single submitter. Criteria: GeneDx Variant Classification Process June 2021. Collection method: clinical testing. Allele origin: germline. Affected: yes.
Comment: This variant is associated with the following publications: (PMID: 11595708, 19491284, 26709275, 27907908, 31131967, 30415210, 15117986, 14647438, 19016756, 27376475, 27124784, 22995991, 18779604, 15168169, 27658390, 28222693, 27997549, 27701467, 29215753, 28111427, 14973102, 28392550, 30725392, 29642553, 31825140, 22703879)

Illumina Laboratory Services, Illumina
Classification: Likely benign for Fanconi anemia complementation group D1. Last evaluated: 2019-03-19. Review status: criteria provided, single submitter. Criteria: ICSL Variant Classification Criteria 13 December 2019. Collection method: clinical testing. Allele origin: germline.
Comment: This variant was observed as part of a predisposition screen in an ostensibly healthy population. A literature search was performed for the gene, cDNA change, and amino acid change (where applicable). No publications were found based on this search. Allele frequency data from public databases allowed determination this variant is unlikely to cause disease. Therefore, this variant is classified as likely benign.

Illumina Laboratory Services, Illumina
Classification: Likely benign for Breast-ovarian cancer, familial, susceptibility to, 2. Last evaluated: 2019-03-19. Review status: criteria provided, single submitter. Criteria: ICSL Variant Classification Criteria 13 December 2019. Collection method: clinical testing. Allele origin: germline.
Comment: the same text as in the submission from Illumina Laboratory Services, Illumina above.

Genetic Services Laboratory, University of Chicago
Classification: Likely benign. Last evaluated: 2019-03-04. Review status: criteria provided, single submitter. Criteria: ACMG Guidelines, 2015. Collection method: clinical testing. Allele origin: germline. Affected: no.

Ambry Genetics
Classification: Likely benign for Hereditary cancer-predisposing syndrome. Last evaluated: 2018-12-04. Review status: criteria provided, single submitter. Criteria: Ambry Variant Classification Scheme 2023. Collection method: clinical testing. Allele origin: germline.

3DMed Clinical Laboratory Inc
Classification: Uncertain significance for Cancer of the pancreas. Last evaluated: 2018-05-21. Review status: criteria provided, single submitter. Criteria: ACMG Guidelines, 2015. Collection method: clinical testing. Allele origin: germline. Affected: yes.

Center for Pediatric Genomic Medicine, Children's Mercy Hospital and Clinics
Classification: Likely benign. Last evaluated: 2017-03-29. Review status: criteria provided, single submitter. Criteria: ACMG Guidelines, 2015. Collection method: clinical testing. Allele origin: germline.

Women's Health and Genetics/Laboratory Corporation of America, LabCorp
Classification: Likely benign. Last evaluated: 2016-12-01. Review status: criteria provided, single submitter. Criteria: LabCorp Variant Classification Summary - May 2015. Collection method: clinical testing. Allele origin: germline.
Comment: Variant summary: The BRCA2 c.6325G>A (p.Val2109Ile) variant involves the alteration of a non-conserved nucleotide. 4/4 in silico tools predict a benign outcome for this variant (SNPs&GO not captured due to low reliability index). This variant was found in 38/122036 control chromosomes, predominantly observed in the East Asian subpopulation at a frequency of 0.0038354 (33/8604). This frequency is about 5 times the estimated maximal expected allele frequency of a pathogenic BRCA2 variant (0.0007503), suggesting this is likely a benign polymorphism found primarily in the populations of East Asian origin. The variant has been reported in numerous affected individuals in the literature, mostly of Asian origin, without strong evidence for causality. BIC reports the variant in 2 individuals who also carry pathogenic variants (BRCA1 c.4163_4164insA; BRCA2 c.9076C>T), also supportive of a benign outcome. In addition, multiple clinical diagnostic laboratories/reputable databases classified this variant as likely benign/benign, although some classify it as a VUS. Taken together, this variant is classified likley benign.

Color Diagnostics, LLC DBA Color Health
Classification: Likely benign for Hereditary cancer-predisposing syndrome. Last evaluated: 2015-11-03. Review status: criteria provided, single submitter. Criteria: ACMG Guidelines, 2015. Collection method: clinical testing. Allele origin: germline.

Laboratory of Molecular Diagnosis of Cancer, West China Hospital, Sichuan University
Classification: Uncertain significance for Breast neoplasm. Last evaluated: 2015-11-01. Review status: criteria provided, single submitter. Criteria: ACMG Guidelines, 2015. Collection method: research. Allele origin: germline. Affected: yes. Observed: 3 variant alleles.

PreventionGenetics, part of Exact Sciences
Classification: Likely benign for BRCA2-related condition. Last evaluated: 2023-12-05. Review status: no assertion criteria provided. Collection method: clinical testing. Allele origin: germline. Not counted in ClinVar's aggregate classification.
Comment: This variant is classified as likely benign based on ACMG/AMP sequence variant interpretation guidelines (Richards et al. 2015 PMID: 25741868, with internal and published modifications).

Counsyl
Classification: Likely benign for Breast-ovarian cancer, familial, susceptibility to, 2. Last evaluated: 2017-01-18. Review status: no assertion criteria provided. Collection method: clinical testing. Allele origin: unknown. Not counted in ClinVar's aggregate classification.

Biesecker Lab/Clinical Genomics Section, National Institutes of Health
Classification: Uncertain significance. Last evaluated: 2012-07-13. Review status: no assertion criteria provided. Collection method: research. Allele origin: germline. Affected: no. Observed: 1 variant allele. Study: ClinSeq. Not counted in ClinVar's aggregate classification.
ClinVar note: Converted during submission from variant of unknown significance to Uncertain significance.

Sharing Clinical Reports Project (SCRP)
Classification: Benign for Breast-ovarian cancer, familial 2. Last evaluated: 2008-10-28. Review status: no assertion criteria provided. Collection method: clinical testing. Allele origin: germline. Not counted in ClinVar's aggregate classification.